The following is an entry in ClinVar:

NM_000540.3(RYR1):c.9283TTC[1] (p.Phe3096del)

Gene: RYR1 (ryanodine receptor 1; plus strand). Cytogenetic location: 19q13.2.
Variant type: Microsatellite.
Coding change: c.9283TTC[1] on transcript NM_000540.3 (MANE Select); one copy of the 3-base unit TTC starting at c.9283; the reference has two copies in a row; one copy, 3 bases deleted.
Protein change: p.Phe3096del; deletes phenylalanine 3096.
Molecular consequence: inframe deletion.
Genome position (GRCh38, 1-based): chr19:38,512,297-38,512,299, TTC deleted; deleting any 3 consecutive bases within chr19:38,512,293-38,512,299 gives the same sequence; the position shown is the placement nearest the transcript's 3' end. VCF-style (leftmost placement, unchanged base first): chr19-38512292-CCTT-C. GRCh37 (hg19) VCF-style: chr19-39002932-CCTT-C.
Other names: c.9283TTC[1], p.Phe3096del (NM_001042723.2); short protein forms F3096del.
Identifiers: ClinVar variation 3075043 (VCV003075043.1), dbSNP rs2514405812, ClinGen allele CA2825002798.
Genomic context (GRCh38, chr19:38,512,292, plus strand): 5'-GCTGCCCTTCTAGGACAGTGATGAAGTCAGGCCCTGAGATCGTGAAGGCTGGCCTCCGCT[CCTT>C]CTTCGAGAGTGCCTCGGAGGACATCGAGAAGATGGTGGAGAACCTGCGGCTGGGCAAGGT-3'

ClinVar aggregate classification (germline): Uncertain significance (1 of 4 stars; one submission).

Conditions:
Malignant hyperthermia, susceptibility to, 1 (MHS1). Also called: Anesthesia related hyperthermia; Malignant hyperpyrexia; Fulminating hyperpyrexia; Pharmacogenic myopathy; RYR1-Related Malignant Hyperthermia Susceptibility; Malignant hyperthermia suceptibility 1. Identifiers: Orphanet 423, MedGen C2930980, MONDO:0007783, OMIM 145600.

Submission:

All of Us Research Program, National Institutes of Health
Classification: Uncertain significance for Malignant hyperthermia, susceptibility to, 1. Last evaluated: 2023-12-18. Review status: criteria provided, single submitter. Criteria: ACMG Guidelines, 2015. Collection method: clinical testing. Allele origin: germline. Inheritance: Autosomal dominant inheritance. Observed: 1 variant allele, 1 heterozygote.
Comment: This variant causes the in-frame deletion of one amino acid in the RYR1 protein. To our knowledge, functional studies have not been reported for this variant. This variant has not been reported in individuals affected with RYR1-related disorders in the literature. This variant has not been identified in the general population by the Genome Aggregation Database (gnomAD). The available evidence is insufficient to determine the role of this variant in disease conclusively. Therefore, this variant is classified as a Variant of Uncertain Significance.

This study involves interpretation of variants in research participants for the purpose of population health screening. Participant phenotype was not available at the time of variant classification. Additional details can be found in publication PMID: 35346344, PMCID: PMC8962531